The following is an entry in ClinVar:

ClinVar aggregate classification (germline): Uncertain significance (1 of 4 stars; one submission).

Conditions:
Inborn genetic diseases. Identifiers: MedGen C0950123, MeSH D030342.

Submission:

Ambry Genetics
Classification: Uncertain significance for Inborn genetic diseases. Last evaluated: 2025-12-05. Review status: criteria provided, single submitter. Criteria: Ambry Variant Classification Scheme 2023. Collection method: clinical testing. Allele origin: germline.
Comment: The c.640-9T>A intronic alteration consists of a T to A substitution 9 nucleotides before coding exon 8 in the PMM2 gene. This variant was not reported in population-based cohorts in the Genome Aggregation Database (gnomAD). Based on insufficient or conflicting evidence, the clinical significance of this alteration remains unclear.

Literature cited by the submitters: PubMed 40886090.

NM_000303.3(PMM2):c.640-9T>A

Gene: PMM2 (phosphomannomutase 2; plus strand). Cytogenetic location: 16p13.2.
Variant type: single nucleotide variant.
Coding change: c.640-9T>A on transcript NM_000303.3 (MANE Select); 9 bases into the intron before coding-DNA position 640, T replaced by A.
Molecular consequence: intron variant.
Genome position (GRCh38, 1-based): chr16:8,847,715, T>A. VCF-style: chr16-8847715-T-A. GRCh37 (hg19) VCF-style: chr16-8941572-T-A.
Identifiers: ClinVar variation 4628019 (VCV004628019.1).